The following is an entry in ClinVar:

NM_000059.4(BRCA2):c.4613del (p.Ser1538fs)

Gene: BRCA2 (BRCA2 DNA repair associated; plus strand). Cytogenetic location: 13q13.1.
Variant type: Deletion.
Coding change: c.4613del on transcript NM_000059.4 (MANE Select); coding-DNA position 4613, one base deleted (C; older notation c.4613delC).
Protein change: p.Ser1538fs; shifts the reading frame from serine 1538.
Molecular consequence: frameshift variant. On other transcripts: non-coding transcript variant (1), intron variant (2).
Genome position (GRCh38, 1-based): chr13:32,338,968, C deleted. VCF-style (leftmost placement, unchanged base first): chr13-32338967-TC-T. GRCh37 (hg19) VCF-style: chr13-32913104-TC-T.
Other names: c.4613del, p.Ser1538fs (NM_001406719.1, NM_001406720.1, NM_001432077.1); c.1909+5581del (NM_001406721.1); c.425-5590del (NM_001406722.1); short protein forms S1538fs.
Identifiers: ClinVar variation 5042276 (VCV005042276.1).

ClinVar aggregate classification (germline): Pathogenic (1 of 4 stars; one submission).

Conditions:
Breast-ovarian cancer, familial, susceptibility to, 2 (BROVCA2). Also called: BRCA2 Hereditary Breast and Ovarian Cancer. Identifiers: Orphanet 145, MedGen C2675520, MONDO:0012933, OMIM 612555. Disease mechanism: loss of function.

Submission:

Myriad Genetics, Inc.
Classification: Pathogenic for Breast-ovarian cancer, familial, susceptibility to, 2. Last evaluated: 2026-09-03. Review status: criteria provided, single submitter. Criteria: Myriad Autosomal Dominant, Autosomal Recessive and X-Linked Classification Criteria (2023). Collection method: clinical testing. Allele origin: unknown.
Comment: This variant is considered pathogenic. This variant creates a frameshift predicted to result in premature protein truncation.